The following is an entry in ClinVar:

ClinVar aggregate classification (germline): Uncertain significance (1 of 4 stars; one submission).

Conditions:
Early-infantile DEE. Also called: Ohtahara syndrome; Early infantile epileptic encephalopathy; Early infantile epileptic encephalopathy with suppression bursts. Identifiers: Orphanet 1934, MedGen C0393706, MONDO:0800491.

Allele frequency attached by ClinVar (database versions not stated): ExAC 0.00002; gnomAD exomes 0.00002; TOPMed 0.00002; gnomAD 0.00003 and 0.00004.
gnomAD v4.1: 9 of 1,613,834 alleles (0.00056%); highest among the groups gnomAD compares: African/African-American, 0.0067%; no homozygotes.

Submission:

Labcorp Genetics (formerly Invitae), Labcorp
Classification: Uncertain significance for Early-infantile DEE. Last evaluated: 2021-01-30. Review status: criteria provided, single submitter. Criteria: Invitae Variant Classification Sherloc (09022015). Collection method: clinical testing. Allele origin: germline.
Comment: In summary, the available evidence is currently insufficient to determine the role of this variant in disease. Therefore, it has been classified as a Variant of Uncertain Significance. Algorithms developed to predict the effect of missense changes on protein structure and function are either unavailable or do not agree on the potential impact of this missense change (SIFT: "Deleterious"; PolyPhen-2: "Benign"; Align-GVGD: "Class C25"). This variant has not been reported in the literature in individuals with ARHGEF15-related disease. This variant is present in population databases (rs762341051, ExAC 0.01%). This sequence change replaces valine with isoleucine at codon 698 of the ARHGEF15 protein (p.Val698Ile). The valine residue is highly conserved and there is a small physicochemical difference between valine and isoleucine.

NM_173728.4(ARHGEF15):c.2092G>A (p.Val698Ile)

Gene: ARHGEF15 (Rho guanine nucleotide exchange factor 15; plus strand). Cytogenetic location: 17p13.1.
Variant type: single nucleotide variant.
Coding change: c.2092G>A on transcript NM_173728.4 (MANE Select); coding-DNA position 2092, G replaced by A.
Protein change: p.Val698Ile; replaces valine 698 with isoleucine.
Molecular consequence: missense variant.
Genome position (GRCh38, 1-based): chr17:8,319,065, G>A. VCF-style: chr17-8319065-G-A. GRCh37 (hg19) VCF-style: chr17-8222383-G-A.
Other names: c.2092G>A, p.Val698Ile (NM_025014.2); short protein forms V698I.
Identifiers: ClinVar variation 566011 (VCV000566011.9), dbSNP rs762341051, ClinGen allele CA8375423.